The following is an entry in ClinVar:

NM_177438.3(DICER1):c.2256+5G>T

Gene: DICER1 (dicer 1, ribonuclease III; minus strand). Cytogenetic location: 14q32.13.
Variant type: single nucleotide variant.
Coding change: c.2256+5G>T on transcript NM_177438.3 (MANE Select); 5 bases into the intron after coding-DNA position 2256, G replaced by T.
Molecular consequence: intron variant. On other transcripts: missense variant (1).
Genome position (GRCh38, 1-based): chr14:95,111,312, C>A on the plus strand (G>T on the coding strand, the complement: DICER1 is on the minus strand). VCF-style: chr14-95111312-C-A. GRCh37 (hg19) VCF-style: chr14-95577649-C-A.
Other names: c.1856G>T, p.Ser619Ile (NM_001395698.1); c.2256+5G>T (NM_001291628.2, NM_030621.4, NM_001395677.1 and 12 more transcripts); c.1851+5G>T (NM_001395690.1, NM_001395687.1, NM_001395689.1 and 2 more transcripts); c.1974+5G>T (NM_001395686.1); c.1689+5G>T (NM_001395691.1); c.573+5G>T (NM_001395697.1); short protein forms S619I.
Identifiers: ClinVar variation 1788522 (VCV001788522.2), dbSNP rs1595390864, ClinGen allele CA2580088946.

ClinVar aggregate classification (germline): Likely pathogenic (1 of 4 stars; one submission).

Conditions:
Hereditary cancer-predisposing syndrome. Also called: Hereditary Cancer Syndrome; Hereditary neoplastic syndrome; Tumor predisposition; Neoplastic Syndromes, Hereditary. Identifiers: Orphanet 140162, MedGen C0027672, MeSH D009386, MONDO:0015356.

Submission:

Ambry Genetics
Classification: Likely pathogenic for Hereditary cancer-predisposing syndrome. Last evaluated: 2021-07-23. Review status: criteria provided, single submitter. Criteria: Ambry Variant Classification Scheme 2023. Collection method: clinical testing. Allele origin: germline.
Comment: The c.2256+5G>T intronic variant results from a G to T substitution 5 nucleotides after coding exon 13 in the DICER1 gene. This nucleotide position is highly conserved in available vertebrate species. In silico splice site analysis predicts that this alteration will weaken the native splice donor site. RNA studies have demonstrated that this alteration results in abnormal splicing in the set of samples tested (Ambry internal data). Based on the majority of available evidence to date, this variant is likely to be pathogenic.